The following is an entry in ClinVar:

NM_001330311.2(DVL1):c.1860G>A (p.Pro620=)

Gene: DVL1 (dishevelled segment polarity protein 1; minus strand). Cytogenetic location: 1p36.33.
Variant type: single nucleotide variant.
Coding change: c.1860G>A on transcript NM_001330311.2 (MANE Select); coding-DNA position 1860, G replaced by A.
Protein change: p.Pro620=; no amino-acid change (proline 620 retained).
Molecular consequence: synonymous variant.
Genome position (GRCh38, 1-based): chr1:1,336,370, C>T on the plus strand (G>A on the coding strand, the complement: DVL1 is on the minus strand). VCF-style: chr1-1336370-C-T. GRCh37 (hg19) VCF-style: chr1-1271750-C-T.
Other names: c.1785G>A, p.Pro595= (NM_004421.3).
Identifiers: ClinVar variation 1165192 (VCV001165192.23), dbSNP rs370205492, ClinGen allele CA519799.

ClinVar aggregate classification (germline): Benign/Likely benign. Review status: criteria provided, multiple submitters, no conflicts (2 of 4 stars). 3 submissions from 3 submitters: Benign (1); Likely benign (2). Last evaluated 2025-09-25.

Allele frequency attached by ClinVar (database versions not stated): 1000 Genomes Project 0.00040; gnomAD exomes 0.00053; ExAC 0.00055; gnomAD 0.00021 and 0.00029; 1000 Genomes Project 30x 0.00078.
gnomAD v4.1: 307 of 1,597,528 alleles (0.019%); highest among the groups gnomAD compares: East Asian, 0.38%; 3 homozygotes.

Submissions (3):

Labcorp Genetics (formerly Invitae), Labcorp
Classification: Benign. Last evaluated: 2025-09-25. Review status: criteria provided, single submitter. Criteria: Invitae Variant Classification Sherloc (09022015). Collection method: clinical testing. Allele origin: germline.

CeGaT Center for Human Genetics Tuebingen
Classification: Likely benign. Last evaluated: 2024-12-01. Review status: criteria provided, single submitter. Criteria: CeGaT Center For Human Genetics Tuebingen Variant Classification Criteria Version 2. Collection method: clinical testing. Allele origin: germline. Affected: yes. Observed: 1 variant allele.
Comment: DVL1: BP4, BP7

Blueprint Genetics
Classification: Likely benign. Last evaluated: 2024-10-11. Review status: criteria provided, single submitter. Criteria: ACMG Guidelines, 2015. Collection method: clinical testing. Allele origin: germline.